The following is an entry in ClinVar:

NM_000548.5(TSC2):c.4411A>T (p.Arg1471Trp)

Gene: TSC2 (TSC complex subunit 2; plus strand). Cytogenetic location: 16p13.3.
Variant type: single nucleotide variant.
Coding change: c.4411A>T on transcript NM_000548.5 (MANE Select); coding-DNA position 4411, A replaced by T.
Protein change: p.Arg1471Trp; replaces arginine 1471 with tryptophan.
Molecular consequence: missense variant. On other transcripts: non-coding transcript variant (5).
Genome position (GRCh38, 1-based): chr16:2,084,633, A>T. VCF-style: chr16-2084633-A-T. GRCh37 (hg19) VCF-style: chr16-2134634-A-T.
Other names: c.4408A>T, p.Arg1470Trp (NM_001406663.1); c.4339A>T, p.Arg1447Trp (NM_001406664.1); c.4300A>T, p.Arg1434Trp (NM_001406668.1); c.4333A>T, p.Arg1445Trp (NM_001406665.1); c.4303A>T, p.Arg1435Trp (NM_001406667.1); c.4231A>T, p.Arg1411Trp (NM_001406670.1); c.4210A>T, p.Arg1404Trp (NM_001077183.3); c.4342A>T, p.Arg1448Trp (NM_001114382.3); and 26 more; short protein forms R1205W, R1247W, R1251W, R1367W, R1368W, R1399W, R1400W, R1411W.
Identifiers: ClinVar variation 2564731 (VCV002564731.2), dbSNP rs2544285201, ClinGen allele CA394302086.

ClinVar aggregate classification (germline): Uncertain significance (1 of 4 stars; one submission).

Conditions:
Hereditary cancer-predisposing syndrome. Also called: Neoplastic Syndromes, Hereditary; Hereditary Cancer Syndrome; Hereditary neoplastic syndrome; Tumor predisposition. Identifiers: Orphanet 140162, MedGen C0027672, MeSH D009386, MONDO:0015356.

Submission:

Ambry Genetics
Classification: Uncertain significance for Hereditary cancer-predisposing syndrome. Last evaluated: 2023-05-14. Review status: criteria provided, single submitter. Criteria: Ambry Variant Classification Scheme 2023. Collection method: clinical testing. Allele origin: germline.
Comment: The p.R1471W variant (also known as c.4411A>T), located in coding exon 33 of the TSC2 gene, results from an A to T substitution at nucleotide position 4411. The arginine at codon 1471 is replaced by tryptophan, an amino acid with dissimilar properties. This amino acid position is conserved. In addition, this alteration is predicted to be deleterious by in silico analysis. Since supporting evidence is limited at this time, the clinical significance of this alteration remains unclear.